The following is an entry in ClinVar:

NM_001267550.2(TTN):c.37570C>T (p.Leu12524Phe)

Gene: TTN (titin; minus strand). Cytogenetic location: 2q31.2.
Variant type: single nucleotide variant.
Coding change: c.37570C>T on transcript NM_001267550.2 (MANE Select); coding-DNA position 37570, C replaced by T.
Protein change: p.Leu12524Phe; replaces leucine 12524 with phenylalanine.
Molecular consequence: missense variant. On other transcripts: intron variant (5).
Genome position (GRCh38, 1-based): chr2:178,658,525, G>A on the plus strand (C>T on the coding strand, the complement: TTN is on the minus strand). VCF-style: chr2-178658525-G-A. GRCh37 (hg19) VCF-style: chr2-179523252-G-A.
Other names: c.13283-16208C>T (NM_003319.4); c.13859-16208C>T (NM_133437.4); c.13658-16208C>T (NM_133432.3); c.31741+480C>T (NM_133378.4); c.34522+480C>T (NM_001256850.1); short protein forms L12524F.
Identifiers: ClinVar variation 4982047 (VCV004982047.1).

ClinVar aggregate classification (germline): Uncertain significance (1 of 4 stars; one submission).

Conditions:
TTN-related disorder. Also called: TTN-related disorders; TTN-related condition; TTN-related disease.

Submission:

PreventionGenetics, part of Exact Sciences
Classification: Uncertain significance for TTN-related condition. Last evaluated: 2026-07-31. Review status: criteria provided, single submitter. Criteria: ACMG Guidelines, 2015. Collection method: clinical testing. Allele origin: germline.
Comment: The TTN c.37570C>T variant is predicted to result in the amino acid substitution p.Leu12524Phe. To our knowledge, this variant has not been reported in the literature or in a large population database (gnomAD), indicating this variant is rare. At this time, the clinical significance of this variant is uncertain due to the absence of conclusive functional and genetic evidence.